The following is an entry in ClinVar:

NM_004656.4(BAP1):c.255+1G>A

Gene: BAP1 (BRCA1 associated deubiquitinase 1; minus strand). Cytogenetic location: 3p21.1.
Variant type: single nucleotide variant.
Coding change: c.255+1G>A on transcript NM_004656.4 (MANE Select); the canonical splice donor site of the intron after coding-DNA position 255, G replaced by A.
Molecular consequence: splice donor variant.
Genome position (GRCh38, 1-based): chr3:52,408,473, C>T on the plus strand (G>A on the coding strand, the complement: BAP1 is on the minus strand). VCF-style: chr3-52408473-C-T. GRCh37 (hg19) VCF-style: chr3-52442489-C-T.
Other names: c.255+1G>A (NM_001410772.1, NM_004656.2).
Identifiers: ClinVar variation 490850 (VCV000490850.8), dbSNP rs1060503750, ClinGen allele CA353112834.

ClinVar aggregate classification (germline): Conflicting classifications of pathogenicity. Review status: criteria provided, conflicting classifications (1 of 4 stars). 3 submissions from 3 submitters: Likely pathogenic (2); Uncertain significance (1). Last evaluated 2025-10-22.

Conditions:
BAP1-related tumor predisposition syndrome (TPDS1). Also called: Tumor susceptibility linked to germline BAP1 mutations; BAP1 tumor predisposition syndrome; COMMON Syndrome; TUMOR PREDISPOSITION SYNDROME 1. Identifiers: Orphanet 289539, MedGen C3280492, MONDO:0013692, OMIM 614327.
Hereditary cancer-predisposing syndrome. Also called: Hereditary Cancer Syndrome; Neoplastic Syndromes, Hereditary; Tumor predisposition; Hereditary neoplastic syndrome. Identifiers: Orphanet 140162, MedGen C0027672, MeSH D009386, MONDO:0015356.

Submissions (3):

Color Diagnostics, LLC DBA Color Health
Classification: Likely pathogenic for Hereditary cancer-predisposing syndrome. Last evaluated: 2025-10-22. Review status: criteria provided, single submitter. Criteria: ACMG Guidelines, 2015. Collection method: clinical testing. Allele origin: germline.
Comment: This variant causes a G to A nucleotide substitution at the +1 position of intron 4 of the BAP1 gene. Splice site prediction tools predict that this variant may have a significant impact on RNA splicing. Although this prediction has not been confirmed in published RNA studies, this variant is expected to result in an absent or disrupted protein product. A high throughput study using saturation genome editing measuring cell survival showed that this variant impacts function (PMID: 38969833). This variant has not been reported in individuals affected with hereditary cancer in the literature. This variant has not been identified in the general population by the Genome Aggregation Database (gnomAD). Loss of BAP1 function is a known mechanism of disease. Based on the available evidence, this variant is classified as Likely Pathogenic.

Ambry Genetics
Classification: Uncertain significance for Hereditary cancer-predisposing syndrome. Last evaluated: 2025-05-23. Review status: criteria provided, single submitter. Criteria: Ambry Variant Classification Scheme 2023. Collection method: clinical testing. Allele origin: germline.
Comment: The c.255+1G>A intronic variant results from a G to A substitution one nucleotide after coding exon 4 of the BAP1 gene. This alteration was non-functional in a high throughput genome editing haploid cell survival functional assay (Waters AJ et al. Nat Genet, 2024 Jul;56:1434-1445). Alterations that disrupt the canonical splice site are expected to result in aberrant splicing. In silico splice site analysis predicts that this alteration will weaken the native splice donor site. A resulting transcript is predicted to be in-frame and is not expected to trigger nonsense-mediated mRNAdecay; although, direct evidence is unavailable. This nucleotide position is highly conserved in available vertebrate species. Based on the available evidence, the clinical significance of this variant remains unclear.

Myriad Genetics, Inc.
Classification: Likely pathogenic for BAP1-related tumor predisposition syndrome. Last evaluated: 2023-01-17. Review status: criteria provided, single submitter. Criteria: Myriad Autosomal Dominant, Autosomal Recessive and X-Linked Classification Criteria (2023). Collection method: clinical testing. Allele origin: unknown.
Comment: This variant is considered likely pathogenic. This variant occurs within a consensus splice junction and is predicted to result in abnormal mRNA splicing of either an out-of-frame exon or an in-frame exon necessary for protein stability and/or normal function.

Literature cited by the submitters: PubMed 38969833 (cited by Color Diagnostics, LLC DBA Color Health and Ambry Genetics).